The following is an entry in ClinVar:

ClinVar aggregate classification (germline): Likely benign. Review status: criteria provided, multiple submitters, no conflicts (2 of 4 stars). 3 submissions from 3 submitters: Likely benign (2). 1 of the submissions does not count toward it. Last evaluated 2026-01-14.

Conditions:
Hereditary cancer-predisposing syndrome. Also called: Tumor predisposition; Neoplastic Syndromes, Hereditary; Hereditary Cancer Syndrome; Hereditary neoplastic syndrome. Identifiers: Orphanet 140162, MedGen C0027672, MeSH D009386, MONDO:0015356.
Gorlin syndrome. Also called: Nevoid Basal Cell Carcinoma Syndrome; Basal cell nevus syndrome. Identifiers: Orphanet 377, MedGen C0004779, MONDO:0007187.
PTCH1-related disorder. Also called: PTCH1-related disorders; PTCH1-related condition.

Allele frequency attached by ClinVar (database versions not stated): TOPMed 0.00002.
gnomAD v4.1: 32 of 1,614,106 alleles (0.002%); highest among the groups gnomAD compares: Admixed American, 0.01%; no homozygotes.

Submissions (3):

Labcorp Genetics (formerly Invitae), Labcorp
Classification: Likely benign for Gorlin syndrome. Last evaluated: 2026-01-14. Review status: criteria provided, single submitter. Criteria: Invitae Variant Classification Sherloc (09022015). Collection method: clinical testing. Allele origin: germline.

Ambry Genetics
Classification: Likely benign for Hereditary cancer-predisposing syndrome. Last evaluated: 2021-07-08. Review status: criteria provided, single submitter. Criteria: Ambry Variant Classification Scheme 2023. Collection method: clinical testing. Allele origin: germline.

PreventionGenetics, part of Exact Sciences
Classification: Likely benign for PTCH1-related condition. Last evaluated: 2024-04-19. Review status: no assertion criteria provided. Collection method: clinical testing. Allele origin: germline. Not counted in ClinVar's aggregate classification.
Comment: This variant is classified as likely benign based on ACMG/AMP sequence variant interpretation guidelines (Richards et al. 2015 PMID: 25741868, with internal and published modifications).

NM_000264.5(PTCH1):c.4236C>T (p.Pro1412=)

Gene: PTCH1 (patched 1; minus strand). Cytogenetic location: 9q22.32.
Variant type: single nucleotide variant.
Coding change: c.4236C>T on transcript NM_000264.5 (MANE Select); coding-DNA position 4236, C replaced by T.
Protein change: p.Pro1412=; no amino-acid change (proline 1412 retained).
Molecular consequence: synonymous variant. On other transcripts: non-coding transcript variant (1).
Genome position (GRCh38, 1-based): chr9:95,447,020, G>A on the plus strand (C>T on the coding strand, the complement: PTCH1 is on the minus strand). VCF-style: chr9-95447020-G-A. GRCh37 (hg19) VCF-style: chr9-98209302-G-A.
Other names: c.4038C>T, p.Pro1346= (NM_001083602.3); c.4233C>T, p.Pro1411= (NM_001083603.3); c.3783C>T, p.Pro1261= (NM_001083604.3, NM_001083605.3, NM_001083606.3 and 1 more transcripts); c.4080C>T, p.Pro1360= (NM_001354918.2).
Identifiers: ClinVar variation 415478 (VCV000415478.14), dbSNP rs369083374, ClinGen allele CA16612744.
Genomic context (GRCh38, chr9:95,447,020, plus strand): 5'-CAGCTCAATGACTTCCACCTTCGAATCCCTCCTCTCACACCGGACGTGGAAAGGCACGTG[G>A]GGGTCCTCAAACAGGCCGTGGTCAGTCTCAGGGTAGCCTGGGCAGAGTCCCCCTCGGGGG-3'
Protein context (NP_000255.2, residues 1402-1422): PETDHGLFED[Pro1412=]HVPFHVRCER